The following is an entry in ClinVar:

NM_000264.5(PTCH1):c.2560+1G>A

Genes: PTCH1 (patched 1; minus strand), LOC100507346 (uncharacterized LOC100507346; plus strand). Cytogenetic location: 9q22.32.
Variant type: single nucleotide variant.
Coding change: c.2560+1G>A on transcript NM_000264.5 (MANE Select); the canonical splice donor site of the intron after coding-DNA position 2560, G replaced by A.
Molecular consequence: splice donor variant. On other transcripts: non-coding transcript variant (1).
Genome position (GRCh38, 1-based): chr9:95,467,115, C>T on the plus strand (G>A on the coding strand, the complement: PTCH1 is on the minus strand). VCF-style: chr9-95467115-C-T. GRCh37 (hg19) VCF-style: chr9-98229397-C-T.
Other names: c.2557+1G>A (NM_001083603.3); c.2362+1G>A (NM_001083602.3); c.2404+1G>A (NM_001354918.2); c.2107+1G>A (NM_001083605.3, NM_001083604.3, NM_001083606.3 and 1 more transcripts).
Identifiers: ClinVar variation 2122382 (VCV002122382.4), dbSNP rs2117944381, ClinGen allele CA374113637.

ClinVar aggregate classification (germline): Pathogenic (1 of 4 stars; one submission).

Conditions:
Gorlin syndrome. Also called: Nevoid Basal Cell Carcinoma Syndrome; Basal cell nevus syndrome. Identifiers: Orphanet 377, MedGen C0004779, MONDO:0007187.

Submission:

Labcorp Genetics (formerly Invitae), Labcorp
Classification: Pathogenic for Gorlin syndrome. Last evaluated: 2023-04-15. Review status: criteria provided, single submitter. Criteria: Invitae Variant Classification Sherloc (09022015). Collection method: clinical testing. Allele origin: germline.
Comment: This variant is not present in population databases (gnomAD no frequency). Disruption of this splice site has been observed in individuals with clinical features of basal cell nevus syndrome (PMID: 16301862; Invitae). ClinVar contains an entry for this variant (Variation ID: 2122382). Studies have shown that disruption of this splice site results in skipping of exon 15 and introduces a premature termination codon (PMID: 18502968). The resulting mRNA is expected to undergo nonsense-mediated decay. For these reasons, this variant has been classified as Pathogenic. This sequence change affects a donor splice site in intron 15 of the PTCH1 gene. RNA analysis indicates that disruption of this splice site induces altered splicing and may result in an absent or disrupted protein product.

Literature cited by the submitters: PubMed 16301862; PubMed 18502968.